The following is an entry in ClinVar:

ClinVar aggregate classification (germline): Uncertain significance (1 of 4 stars; one submission).

Conditions:
POLD1-related polyposis and colorectal cancer syndrome (CRCS10). Also called: COLORECTAL CANCER, SUSCEPTIBILITY TO, ON CHROMOSOME 19q; Colorectal cancer 10; Colorectal cancer, susceptibility to, 10. Identifiers: Orphanet 220460, MedGen C2675481, MONDO:0012953, OMIM 612591.

Submission:

Labcorp Genetics (formerly Invitae), Labcorp
Classification: Uncertain significance for POLD1-related polyposis and colorectal cancer syndrome. Last evaluated: 2026-02-02. Review status: criteria provided, single submitter. Criteria: Invitae Variant Classification Sherloc (09022015). Collection method: clinical testing. Allele origin: germline.
Comment: This sequence change replaces glutamic acid, which is acidic and polar, with alanine, which is neutral and non-polar, at codon 902 of the POLD1 protein (p.Glu902Ala). This variant is not present in population databases (gnomAD no frequency). This variant has not been reported in the literature in individuals affected with POLD1-related conditions. Invitae Evidence Modeling of protein sequence and biophysical properties (such as structural, functional, and spatial information, amino acid conservation, physicochemical variation, residue mobility, and thermodynamic stability) indicates that this missense variant is not expected to disrupt POLD1 protein function with a negative predictive value of 80%. In summary, the available evidence is currently insufficient to determine the role of this variant in disease. Therefore, it has been classified as a Variant of Uncertain Significance.

NM_002691.4(POLD1):c.2705A>C (p.Glu902Ala)

Gene: POLD1 (DNA polymerase delta 1, catalytic subunit; plus strand). Cytogenetic location: 19q13.33.
Variant type: single nucleotide variant.
Coding change: c.2705A>C on transcript NM_002691.4 (MANE Select); coding-DNA position 2705, A replaced by C.
Protein change: p.Glu902Ala; replaces glutamic acid 902 with alanine.
Molecular consequence: missense variant. On other transcripts: non-coding transcript variant (1).
Genome position (GRCh38, 1-based): chr19:50,415,578, A>C. VCF-style: chr19-50415578-A-C. GRCh37 (hg19) VCF-style: chr19-50918835-A-C.
Other names: c.2705A>C, p.Glu902Ala (NM_001256849.1, NM_001438212.1, NM_001438213.1); c.2783A>C, p.Glu928Ala (NM_001308632.1); c.2633A>C, p.Glu878Ala (NM_001438210.1, NM_001438211.1); short protein forms E902A, E928A, E878A.
Identifiers: ClinVar variation 4743512 (VCV004743512.1).